The following is an entry in ClinVar:

ClinVar aggregate classification (germline): Conflicting classifications of pathogenicity. Review status: criteria provided, conflicting classifications (1 of 4 stars). 5 submissions from 5 submitters: Uncertain significance (4); Likely benign (1). Last evaluated 2026-08-22.

Conditions:
Van Maldergem syndrome 2 (VMLDS2). Identifiers: Orphanet 314679, MedGen C3809875, MONDO:0014242, OMIM 615546.
Hennekam lymphangiectasia-lymphedema syndrome 2 (HKLLS2). Identifiers: Orphanet 2136, MedGen C4014939, MONDO:0014454, OMIM 616006.
Inborn genetic diseases. Identifiers: MedGen C0950123, MeSH D030342.

Allele frequency attached by ClinVar (database versions not stated): gnomAD exomes 0.00010 and 0.00012; gnomAD 0.00012; TOPMed 0.00012; ESP Exome Variant Server 0.00015; 1000 Genomes Project 0.00020; ExAC 0.00020; 1000 Genomes Project 30x 0.00031.
gnomAD v4.1: 175 of 1,614,060 alleles (0.011%); highest among the groups gnomAD compares: Middle Eastern, 0.099%; no homozygotes.

Submissions (5):

GeneDx
Classification: Uncertain significance. Last evaluated: 2026-08-22. Review status: criteria provided, single submitter. Criteria: GeneDx Variant Classification Process June 2021. Collection method: clinical testing. Allele origin: germline.
Comment: In silico analysis suggests that this missense variant does not alter protein structure/function; Has not been previously published as pathogenic or benign to our knowledge

CeGaT Center for Human Genetics Tuebingen
Classification: Uncertain significance. Last evaluated: 2026-05-01. Review status: criteria provided, single submitter. Criteria: CeGaT Center For Human Genetics Tuebingen Variant Classification Criteria Version 2. Collection method: clinical testing. Allele origin: germline. Affected: yes. Observed: 3 variant alleles.
Comment: FAT4: PM2

Labcorp Genetics (formerly Invitae), Labcorp
Classification: Likely benign. Last evaluated: 2025-12-09. Review status: criteria provided, single submitter. Criteria: Invitae Variant Classification Sherloc (09022015). Collection method: clinical testing. Allele origin: germline.

Ambry Genetics
Classification: Uncertain significance for Inborn genetic diseases. Last evaluated: 2025-06-17. Review status: criteria provided, single submitter. Criteria: Ambry Variant Classification Scheme 2023. Collection method: clinical testing. Allele origin: germline.

Fulgent Genetics
Classification: Uncertain significance for Van Maldergem syndrome 2; Hennekam lymphangiectasia-lymphedema syndrome 2. Last evaluated: 2024-06-24. Review status: criteria provided, single submitter. Criteria: ACMG Guidelines, 2015. Collection method: clinical testing. Allele origin: germline.

NM_001291303.3(FAT4):c.13193T>C (p.Ile4398Thr)

Gene: FAT4 (FAT atypical cadherin 4; plus strand). Cytogenetic location: 4q28.1.
Variant type: single nucleotide variant.
Coding change: c.13193T>C on transcript NM_001291303.3 (MANE Select); coding-DNA position 13193, T replaced by C.
Protein change: p.Ile4398Thr; replaces isoleucine 4398 with threonine.
Molecular consequence: missense variant.
Genome position (GRCh38, 1-based): chr4:125,490,009, T>C. VCF-style: chr4-125490009-T-C. GRCh37 (hg19) VCF-style: chr4-126411164-T-C.
Other names: c.13190T>C, p.Ile4397Thr (NM_001291285.3); c.13187T>C, p.Ile4396Thr (NM_024582.6); c.13187T>C (NM_024582.5); short protein forms I4398T, I4397T, I4396T.
Identifiers: ClinVar variation 809683 (VCV000809683.54), dbSNP rs200729108, ClinGen allele CA3074318.